The following is an entry in ClinVar:

NM_145290.4(ADGRA3):c.3565G>T (p.Glu1189Ter)

Gene: ADGRA3 (adhesion G protein-coupled receptor A3; minus strand). Cytogenetic location: 4p15.2.
Variant type: single nucleotide variant.
Coding change: c.3565G>T on transcript NM_145290.4 (MANE Select); coding-DNA position 3565, G replaced by T.
Protein change: p.Glu1189Ter; replaces glutamic acid 1189 with a stop codon.
Molecular consequence: nonsense.
Genome position (GRCh38, 1-based): chr4:22,388,106, C>A on the plus strand (G>T on the coding strand, the complement: ADGRA3 is on the minus strand). VCF-style: chr4-22388106-C-A. GRCh37 (hg19) VCF-style: chr4-22389729-C-A.
Other names: short protein forms E1189*.
Identifiers: ClinVar variation 3664098 (VCV003664098.2).

ClinVar aggregate classification (germline): Uncertain significance (1 of 4 stars; one submission).

Submission:

Labcorp Genetics (formerly Invitae), Labcorp
Classification: Uncertain significance. Last evaluated: 2024-11-04. Review status: criteria provided, single submitter. Criteria: Invitae Variant Classification Sherloc (09022015). Collection method: clinical testing. Allele origin: germline.
Comment: This sequence change creates a premature translational stop signal (p.Glu1189*) in the ADGRA3 gene. While this is not anticipated to result in nonsense mediated decay, it is expected to disrupt the last 133 amino acid(s) of the ADGRA3 protein. This variant is not present in population databases (gnomAD no frequency). This variant has not been reported in the literature in individuals affected with ADGRA3-related conditions. Experimental studies and prediction algorithms are not available or were not evaluated, and the functional significance of this variant is currently unknown. In summary, the available evidence is currently insufficient to determine the role of this variant in disease. Therefore, it has been classified as a Variant of Uncertain Significance.